The following is an entry in ClinVar:

NM_002691.4(POLD1):c.3114G>C (p.Gln1038His)

Gene: POLD1 (DNA polymerase delta 1, catalytic subunit; plus strand). Cytogenetic location: 19q13.33.
Variant type: single nucleotide variant.
Coding change: c.3114G>C on transcript NM_002691.4 (MANE Select); coding-DNA position 3114, G replaced by C.
Protein change: p.Gln1038His; replaces glutamine 1038 with histidine.
Molecular consequence: missense variant. On other transcripts: non-coding transcript variant (1).
Genome position (GRCh38, 1-based): chr19:50,417,091, G>C. VCF-style: chr19-50417091-G-C. GRCh37 (hg19) VCF-style: chr19-50920348-G-C.
Other names: c.3114G>C, p.Gln1038His (NM_001256849.1); c.3192G>C, p.Gln1064His (NM_001308632.1); short protein forms Q1064H, Q1038H.
Identifiers: ClinVar variation 1727788 (VCV001727788.2), dbSNP rs1601249044, ClinGen allele CA406987181.

ClinVar aggregate classification (germline): Uncertain significance (1 of 4 stars; one submission).

Conditions:
Hereditary cancer-predisposing syndrome. Also called: Tumor predisposition; Neoplastic Syndromes, Hereditary; Hereditary Cancer Syndrome; Hereditary neoplastic syndrome. Identifiers: Orphanet 140162, MedGen C0027672, MeSH D009386, MONDO:0015356.

Submission:

Ambry Genetics
Classification: Uncertain significance for Hereditary cancer-predisposing syndrome. Last evaluated: 2022-08-08. Review status: criteria provided, single submitter. Criteria: Ambry Variant Classification Scheme 2023. Collection method: clinical testing. Allele origin: germline.
Comment: The p.Q1038H variant (also known as c.3114G>C), located in coding exon 24 of the POLD1 gene, results from a G to C substitution at nucleotide position 3114. The glutamine at codon 1038 is replaced by histidine, an amino acid with highly similar properties. This amino acid position is conserved. In addition, this alteration is predicted to be tolerated by in silico analysis. Since supporting evidence is limited at this time, the clinical significance of this alteration remains unclear.